The following is an entry in ClinVar:

NM_000352.6(ABCC8):c.3345G>A (p.Thr1115=)

Gene: ABCC8 (ATP binding cassette subfamily C member 8; minus strand). Cytogenetic location: 11p15.1.
Variant type: single nucleotide variant.
Coding change: c.3345G>A on transcript NM_000352.6 (MANE Select); coding-DNA position 3345, G replaced by A.
Protein change: p.Thr1115=; no amino-acid change (threonine 1115 retained).
Molecular consequence: synonymous variant. On other transcripts: non-coding transcript variant (1).
Genome position (GRCh38, 1-based): chr11:17,405,548, C>T on the plus strand (G>A on the coding strand, the complement: ABCC8 is on the minus strand). VCF-style: chr11-17405548-C-T. GRCh37 (hg19) VCF-style: chr11-17427095-C-T.
Other names: c.3348G>A, p.Thr1116= (NM_001287174.3); c.3411G>A, p.Thr1137= (NM_001351295.2); c.3345G>A, p.Thr1115= (NM_001351296.2); c.3342G>A, p.Thr1114= (NM_001351297.2).
Identifiers: ClinVar variation 210075 (VCV000210075.29), dbSNP rs186634115, ClinGen allele CA208872.

ClinVar aggregate classification (germline): Conflicting classifications of pathogenicity. Review status: criteria provided, conflicting classifications (1 of 4 stars). 10 submissions from 9 submitters: Uncertain significance (3); Benign (1); Likely benign (4). 2 of the submissions do not count toward it. Last evaluated 2026-02-18.

Conditions:
Inborn genetic diseases. Identifiers: MedGen C0950123, MeSH D030342.
Transitory neonatal diabetes mellitus. Also called: Transient neonatal diabetes mellitus. Identifiers: MedGen C0342273, MONDO:0020525, HP:0008255.
Maturity-onset diabetes of the young (MODY). Also called: Maturity onset diabetes mellitus in young. Identifiers: Orphanet 552, MedGen C0342276, MONDO:0018911, HP:0004904.
Hereditary hyperinsulinism.
ABCC8-related disorder.

Allele frequency attached by ClinVar (database versions not stated): ExAC 0.00026; gnomAD exomes 0.00030 and 0.00006; TOPMed 0.00015; 1000 Genomes Project 30x 0.00016; gnomAD 0.00017 and 0.00021; 1000 Genomes Project 0.00020.
gnomAD v4.1: 119 of 1,614,226 alleles (0.0074%); highest among the groups gnomAD compares: East Asian, 0.2%; no homozygotes.

Submissions (10):

Women's Health and Genetics/Laboratory Corporation of America, LabCorp
Classification: Likely benign. Last evaluated: 2026-02-18. Review status: criteria provided, single submitter. Criteria: LabCorp Variant Classification Summary - May 2015. Collection method: clinical testing. Allele origin: germline.

Labcorp Genetics (formerly Invitae), Labcorp
Classification: Benign. Last evaluated: 2026-02-01. Review status: criteria provided, single submitter. Criteria: Invitae Variant Classification Sherloc (09022015). Collection method: clinical testing. Allele origin: germline.

CeGaT Center for Human Genetics Tuebingen
Classification: Likely benign. Last evaluated: 2025-10-01. Review status: criteria provided, single submitter. Criteria: CeGaT Center For Human Genetics Tuebingen Variant Classification Criteria Version 2. Collection method: clinical testing. Allele origin: germline. Affected: yes. Observed: 1 variant allele.
Comment: ABCC8: BP4, BP7

Ambry Genetics
Classification: Likely benign for Inborn genetic diseases. Last evaluated: 2024-10-15. Review status: criteria provided, single submitter. Criteria: Ambry Variant Classification Scheme 2023. Collection method: clinical testing. Allele origin: germline.

Blueprint Genetics
Classification: Likely benign. Last evaluated: 2024-03-19. Review status: criteria provided, single submitter. Criteria: ACMG Guidelines, 2015. Collection method: clinical testing. Allele origin: germline.

Genetic Services Laboratory, University of Chicago
Classification: Uncertain significance. Last evaluated: 2015-07-17. Review status: criteria provided, single submitter. Criteria: ACMG Guidelines, 2015. Collection method: clinical testing. Allele origin: germline.

Clinical Genomics, Uppaluri K&H Personalized Medicine Clinic
Classification: Uncertain significance for Transitory neonatal diabetes mellitus. Review status: criteria provided, single submitter. Criteria: K & H Uppaluri Personalized Medicine Clinic Variant Classification & Assertion Criteria_Updated V.1. Collection method: research. Allele origin: somatic. Inheritance: Somatic mutation.
Comment: Mutations in ABCC8 gene are associated with both neonatal diabetes mellitus as well as MODY. Patients with this mutation may have a better response to sulfonylureas. However, no sufficient evidence is found to ascertain the role of this particular variant (rs186634115) in neonatal diabetes yet.

Clinical Genomics, Uppaluri K&H Personalized Medicine Clinic
Classification: Uncertain significance for Maturity-onset diabetes of the young. Review status: criteria provided, single submitter. Criteria: K & H Uppaluri Personalized Medicine Clinic Variant Classification & Assertion Criteria_Updated V.1. Collection method: research. Allele origin: somatic. Inheritance: Somatic mutation.
Comment: Mutations in ABCC8 gene are associated with both neonatal diabetes mellitus as well as MODY. Patients with this mutation may have a better response to sulfonylureas. However, no sufficient evidence is found to ascertain the role of this particular variant (rs186634115) in MODY yet.

Natera, Inc.
Classification: Likely benign for Hereditary hyperinsulinism. Last evaluated: 2020-04-10. Review status: no assertion criteria provided. Collection method: clinical testing. Allele origin: germline. Not counted in ClinVar's aggregate classification.

PreventionGenetics, part of Exact Sciences
Classification: Likely benign for ABCC8-related condition. Last evaluated: 2019-06-17. Review status: no assertion criteria provided. Collection method: clinical testing. Allele origin: germline. Not counted in ClinVar's aggregate classification.
Comment: This variant is classified as likely benign based on ACMG/AMP sequence variant interpretation guidelines (Richards et al. 2015 PMID: 25741868, with internal and published modifications).

Literature cited by the submitters: PubMed 16885549 (cited by Clinical Genomics, Uppaluri K&H Personalized Medicine Clinic); PubMed 21989597 (cited by Clinical Genomics, Uppaluri K&H Personalized Medicine Clinic); PubMed 27538677 (cited by Clinical Genomics, Uppaluri K&H Personalized Medicine Clinic); PubMed 18981553 (cited by Clinical Genomics, Uppaluri K&H Personalized Medicine Clinic); PubMed 32027066 (cited by Clinical Genomics, Uppaluri K&H Personalized Medicine Clinic); PubMed 16613899 (cited by Clinical Genomics, Uppaluri K&H Personalized Medicine Clinic); PubMed 18025408 (cited by Clinical Genomics, Uppaluri K&H Personalized Medicine Clinic); PubMed 32792356 (cited by Clinical Genomics, Uppaluri K&H Personalized Medicine Clinic).